The following is an entry in ClinVar:

ClinVar aggregate classification (germline): Uncertain significance. Review status: criteria provided, multiple submitters, no conflicts (2 of 4 stars). 2 submissions from 2 submitters: Uncertain significance (2). Last evaluated 2025-06-11.

Conditions:
ELP1-related disorder. Also called: ELP1-related condition.

Allele frequency attached by ClinVar (database versions not stated): gnomAD 0.00001; TOPMed 0.00001.

Submissions (2):

PreventionGenetics, part of Exact Sciences
Classification: Uncertain significance for ELP1-related condition. Last evaluated: 2025-06-11. Review status: criteria provided, single submitter. Criteria: ACMG Guidelines, 2015. Collection method: clinical testing. Allele origin: germline.
Comment: The ELP1 c.2326T>A variant is predicted to result in the amino acid substitution p.Ser776Thr. To our knowledge, this variant has not been reported in the literature or in a large population database (gnomAD), indicating this variant is rare. At this time, the clinical significance of this variant is uncertain due to the absence of conclusive functional and genetic evidence.

Labcorp Genetics (formerly Invitae), Labcorp
Classification: Uncertain significance. Last evaluated: 2022-06-22. Review status: criteria provided, single submitter. Criteria: Invitae Variant Classification Sherloc (09022015). Collection method: clinical testing. Allele origin: germline.
Comment: This sequence change replaces serine, which is neutral and polar, with threonine, which is neutral and polar, at codon 776 of the ELP1 protein (p.Ser776Thr). This variant is not present in population databases (gnomAD no frequency). This variant has not been reported in the literature in individuals affected with ELP1-related conditions. Algorithms developed to predict the effect of missense changes on protein structure and function (SIFT, PolyPhen-2, Align-GVGD) all suggest that this variant is likely to be tolerated. In summary, the available evidence is currently insufficient to determine the role of this variant in disease. Therefore, it has been classified as a Variant of Uncertain Significance.

NM_003640.5(ELP1):c.2326T>A (p.Ser776Thr)

Gene: ELP1 (elongator acetyltransferase complex subunit 1; minus strand). Cytogenetic location: 9q31.3.
Variant type: single nucleotide variant.
Coding change: c.2326T>A on transcript NM_003640.5 (MANE Select); coding-DNA position 2326, T replaced by A.
Protein change: p.Ser776Thr; replaces serine 776 with threonine.
Molecular consequence: missense variant.
Genome position (GRCh38, 1-based): chr9:108,898,539, A>T on the plus strand (T>A on the coding strand, the complement: ELP1 is on the minus strand). VCF-style: chr9-108898539-A-T. GRCh37 (hg19) VCF-style: chr9-111660819-A-T.
Other names: c.2326T>A (NM_003640.4); c.1984T>A, p.Ser662Thr (NM_001318360.2); c.1279T>A, p.Ser427Thr (NM_001330749.2); short protein forms S427T, S776T, S662T.
Identifiers: ClinVar variation 2009111 (VCV002009111.2), dbSNP rs1447890613, ClinGen allele CA374421828.